The following is an entry in ClinVar:

ClinVar aggregate classification (germline): Uncertain significance. Review status: criteria provided, multiple submitters, no conflicts (2 of 4 stars). 2 submissions from 2 submitters: Uncertain significance (2). Last evaluated 2026-09-16.

Conditions:
MKKS-related disorder. Also called: MKKS-related disorders; MKKS-related condition.
McKusick-Kaufman syndrome (MKKS). Also called: HYDROMETROCOLPOS SYNDROME; HYDROMETROCOLPOS, POSTAXIAL POLYDACTYLY, AND CONGENITAL HEART MALFORMATION. Identifiers: Orphanet 2473, MedGen C0948368, MONDO:0009367, OMIM 236700.
Bardet-Biedl syndrome (BBS). Identifiers: Orphanet 110, MedGen C0752166, MONDO:0015229.

Submissions (2):

PreventionGenetics, part of Exact Sciences
Classification: Uncertain significance for MKKS-related condition. Last evaluated: 2026-09-16. Review status: criteria provided, single submitter. Criteria: ACMG Guidelines, 2015. Collection method: clinical testing. Allele origin: germline.
Comment: The MKKS c.891A>G variant is predicted to result in the amino acid substitution p.Ile297Met. To our knowledge, this variant has not been reported in the literature or in a large population database (gnomAD), indicating this variant is rare. An alternate missense change at the same amino acid position (p.Ile297Thr) has been reported in individuals affected with Bardet-Biedl syndrome (Muller et al. 2010. PubMed ID: 20177705; Supplemental Table 2, Zhong et al. 2023. PubMed ID: 37031301) and eye disease (Table S2, Matczyńska et al. 2024. PubMed ID: 38927562). At this time, the clinical significance of the p.Ile297Met variant is uncertain due to the absence of conclusive functional and genetic evidence.

Labcorp Genetics (formerly Invitae), Labcorp
Classification: Uncertain significance for McKusick-Kaufman syndrome; Bardet-Biedl syndrome. Last evaluated: 2020-06-16. Review status: criteria provided, single submitter. Criteria: Invitae Variant Classification Sherloc (09022015). Collection method: clinical testing. Allele origin: germline.
Comment: Algorithms developed to predict the effect of missense changes on protein structure and function output the following: SIFT: "Deleterious"; PolyPhen-2: "Possibly Damaging"; Align-GVGD: "Class C0". The methionine amino acid residue is found in multiple mammalian species, suggesting that this missense change does not adversely affect protein function. These predictions have not been confirmed by published functional studies and their clinical significance is uncertain. In summary, the available evidence is currently insufficient to determine the role of this variant in disease. Therefore, it has been classified as a Variant of Uncertain Significance. This variant has not been reported in the literature in individuals with MKKS-related conditions. This sequence change replaces isoleucine with methionine at codon 297 of the MKKS protein (p.Ile297Met). The isoleucine residue is highly conserved and there is a small physicochemical difference between isoleucine and methionine. This variant is not present in population databases (ExAC no frequency).

NM_170784.3(MKKS):c.891A>G (p.Ile297Met)

Gene: MKKS (MKKS centrosomal shuttling protein; minus strand). Cytogenetic location: 20p12.2.
Variant type: single nucleotide variant.
Coding change: c.891A>G on transcript NM_170784.3 (MANE Select); coding-DNA position 891, A replaced by G.
Protein change: p.Ile297Met; replaces isoleucine 297 with methionine.
Molecular consequence: missense variant.
Genome position (GRCh38, 1-based): chr20:10,412,624, T>C on the plus strand (A>G on the coding strand, the complement: MKKS is on the minus strand). VCF-style: chr20-10412624-T-C. GRCh37 (hg19) VCF-style: chr20-10393272-T-C.
Other names: c.891A>G, p.Ile297Met (NM_018848.3); short protein forms I297M.
Identifiers: ClinVar variation 1005863 (VCV001005863.9), dbSNP rs2064898329, ClinGen allele CA408232132.